The following is an entry in ClinVar:

NM_080732.4(EGLN2):c.573C>G (p.Ile191Met)

Genes: EGLN2 (egl-9 family hypoxia inducible factor 2; plus strand), RAB4B-EGLN2 (RAB4B-EGLN2 readthrough (NMD candidate); plus strand). Cytogenetic location: 19q13.2.
Variant type: single nucleotide variant.
Coding change: c.573C>G on transcript NM_080732.4 (MANE Select); coding-DNA position 573, C replaced by G.
Protein change: p.Ile191Met; replaces isoleucine 191 with methionine.
Molecular consequence: missense variant. On other transcripts: non-coding transcript variant (1).
Genome position (GRCh38, 1-based): chr19:40,801,145, C>G. VCF-style: chr19-40801145-C-G. GRCh37 (hg19) VCF-style: chr19-41307050-C-G.
Other names: c.573C>G, p.Ile191Met (NM_053046.4); short protein forms I191M.
Identifiers: ClinVar variation 1749365 (VCV001749365.2), dbSNP rs2083254290, ClinGen allele CA405955541.

ClinVar aggregate classification (germline): Uncertain significance (1 of 4 stars; one submission).

Allele frequency attached by ClinVar (database versions not stated): gnomAD exomes below 0.00001; TOPMed 0.00001.
gnomAD v4.1: 6 of 1,612,964 alleles (0.00037%); highest among the groups gnomAD compares: Non-Finnish European, 0.00051%; no homozygotes.

Submission:

Ambry Genetics
Classification: Uncertain significance. Last evaluated: 2021-08-24. Review status: criteria provided, single submitter. Criteria: Ambry Variant Classification Scheme 2023. Collection method: clinical testing. Allele origin: germline.
Comment: The p.I191M variant (also known as c.573C>G), located in coding exon 1 of the EGLN2 gene, results from a C to G substitution at nucleotide position 573. The isoleucine at codon 191 is replaced by methionine, an amino acid with highly similar properties. This amino acid position is conserved. In addition, this alteration is predicted to be tolerated by in silico analysis. Since supporting evidence is limited at this time, the clinical significance of this alteration remains unclear.